The following is an entry in ClinVar:

NM_206933.4(USH2A):c.6484_6485+5delinsTTACTGTGTTTAGTTGT

Gene: USH2A (usherin; minus strand). Cytogenetic location: 1q41.
Variant type: Indel.
Coding change: c.6484_6485+5delinsTTACTGTGTTTAGTTGT on transcript NM_206933.4 (MANE Select); coding-DNA position 6484 through 5 bases into the intron after coding-DNA position 6485, CAGTAAG replaced by TTACTGTGTTTAGTTGT.
Molecular consequence: splice donor variant.
Genome position (GRCh38, 1-based): chr1:216,000,398-216,000,404, CTTACTG replaced by ACAACTAAACACAGTAA on the plus strand (CAGTAAG replaced by TTACTGTGTTTAGTTGT on the coding strand, the reverse complement: USH2A is on the minus strand). VCF-style: chr1-216000398-CTTACTG-ACAACTAAACACAGTAA. GRCh37 (hg19) VCF-style: chr1-216173740-CTTACTG-ACAACTAAACACAGTAA.
Identifiers: ClinVar variation 3775389 (VCV003775389.1).

ClinVar aggregate classification (germline): Uncertain significance (1 of 4 stars; one submission).

Conditions:
Retinitis pigmentosa 39 (RP39). Identifiers: Orphanet 791, MedGen C3151138, MONDO:0013436, OMIM 613809.

Submission:

3billion
Classification: Uncertain significance for Retinitis pigmentosa 39. Last evaluated: 2024-01-23. Review status: criteria provided, single submitter. Criteria: ACMG Guidelines, 2015. Collection method: clinical testing. Allele origin: germline. Affected: yes.
Comment: The variant is not observed in the gnomAD v2.1.1 dataset. Predicted consequence: Canonical splice site - predicted to alter splicing and result in a loss or disruption of normal protein function. Multiple pathogenic loss-of-function variants are reported downstream of the variant. Therefore, this variant is classified as VUS according to the recommendation of ACMG/AMP guideline.